The following is an entry in ClinVar:

NM_003737.4(DCHS1):c.2734C>G (p.Pro912Ala)

Gene: DCHS1 (dachsous cadherin-related 1; minus strand). Cytogenetic location: 11p15.4.
Variant type: single nucleotide variant.
Coding change: c.2734C>G on transcript NM_003737.4 (MANE Select); coding-DNA position 2734, C replaced by G.
Protein change: p.Pro912Ala; replaces proline 912 with alanine.
Molecular consequence: missense variant.
Genome position (GRCh38, 1-based): chr11:6,632,778, G>C on the plus strand (C>G on the coding strand, the complement: DCHS1 is on the minus strand). VCF-style: chr11-6632778-G-C. GRCh37 (hg19) VCF-style: chr11-6654009-G-C.
Other names: short protein forms P912A.
Identifiers: ClinVar variation 3676931 (VCV003676931.3).

ClinVar aggregate classification (germline): Uncertain significance. Review status: criteria provided, multiple submitters, no conflicts (2 of 4 stars). 2 submissions from 2 submitters: Uncertain significance (2). Last evaluated 2025-08-24.

Submissions (2):

Labcorp Genetics (formerly Invitae), Labcorp
Classification: Uncertain significance. Last evaluated: 2025-08-24. Review status: criteria provided, single submitter. Criteria: Invitae Variant Classification Sherloc (09022015). Collection method: clinical testing. Allele origin: germline.
Comment: This sequence change replaces proline, which is neutral and non-polar, with alanine, which is neutral and non-polar, at codon 912 of the DCHS1 protein (p.Pro912Ala). This variant is not present in population databases (gnomAD no frequency). This variant has not been reported in the literature in individuals affected with DCHS1-related conditions. ClinVar contains an entry for this variant (Variation ID: 3676931). Invitae Evidence Modeling of protein sequence and biophysical properties (such as structural, functional, and spatial information, amino acid conservation, physicochemical variation, residue mobility, and thermodynamic stability) indicates that this missense variant is not expected to disrupt DCHS1 protein function with a negative predictive value of 80%. In summary, the available evidence is currently insufficient to determine the role of this variant in disease. Therefore, it has been classified as a Variant of Uncertain Significance.

Women's Health and Genetics/Laboratory Corporation of America, LabCorp
Classification: Uncertain significance. Last evaluated: 2025-06-23. Review status: criteria provided, single submitter. Criteria: LabCorp Variant Classification Summary - May 2015. Collection method: clinical testing. Allele origin: germline.
Comment: Variant summary: DCHS1 c.2734C>G (p.Pro912Ala) results in a non-conservative amino acid change in the encoded protein sequence. Algorithms developed to predict the effect of missense changes on protein structure and function are either unavailable or do not agree on the potential impact of this missense change. The variant was absent in 250434 control chromosomes. The available data on variant occurrences in the general population are insufficient to allow any conclusion about variant significance. To our knowledge, no occurrence of c.2734C>G in individuals affected with DCHS1-Related Disorders and no experimental evidence demonstrating its impact on protein function have been reported. ClinVar contains an entry for this variant (Variation ID: 3676931). Based on the evidence outlined above, the variant was classified as uncertain significance.